The following is an entry in ClinVar:

ClinVar aggregate classification (germline): Uncertain significance (1 of 4 stars; one submission).

Submission:

GeneDx
Classification: Uncertain significance. Last evaluated: 2025-01-24. Review status: criteria provided, single submitter. Criteria: GeneDx Variant Classification Process June 2021. Collection method: clinical testing. Allele origin: germline. Affected: yes.
Comment: Not observed at significant frequency in large population cohorts (gnomAD); In silico analysis supports that this missense variant has a deleterious effect on protein structure/function; Has not been previously published as pathogenic or benign to our knowledge

NM_178014.4(TUBB):c.869C>G (p.Thr290Ser)

Gene: TUBB (tubulin beta class I; plus strand). Cytogenetic location: 6p21.33.
Variant type: single nucleotide variant.
Coding change: c.869C>G on transcript NM_178014.4 (MANE Select); coding-DNA position 869, C replaced by G.
Protein change: p.Thr290Ser; replaces threonine 290 with serine.
Molecular consequence: missense variant. On other transcripts: intron variant (1).
Genome position (GRCh38, 1-based): chr6:30,723,931, C>G. VCF-style: chr6-30723931-C-G. GRCh37 (hg19) VCF-style: chr6-30691708-C-G.
Other names: c.737C>G, p.Thr246Ser (NM_001293214.2); c.653C>G, p.Thr218Ser (NM_001293215.2, NM_001293216.2); c.370-107C>G (NM_001293213.2); c.929C>G, p.Thr310Ser (NM_001293212.2); short protein forms T218S, T246S, T290S, T310S.
Identifiers: ClinVar variation 4071777 (VCV004071777.1).